The following is an entry in ClinVar:

ClinVar aggregate classification (germline): Conflicting classifications of pathogenicity. Review status: criteria provided, conflicting classifications (1 of 4 stars). 2 submissions from 2 submitters: Uncertain significance (1); Benign (1). Last evaluated 2024-12-16.

Conditions:
Osteogenesis imperfecta type I (OI1). Also called: Lobstein's Disease; Osteogenesis imperfecta type 1; Lobstein disease; OI, TYPE I; OSTEOGENESIS IMPERFECTA TARDA; OSTEOGENESIS IMPERFECTA WITH BLUE SCLERAE. Identifiers: Orphanet 216796, Orphanet 666, MedGen C0023931, MONDO:0008146, OMIM 166200. Disease mechanism: loss of function.

Allele frequency attached by ClinVar (database versions not stated): gnomAD 0.00001; ExAC 0.00002; TOPMed 0.00002; 1000 Genomes Project 30x 0.00016; 1000 Genomes Project 0.00020.

Submissions (2):

Labcorp Genetics (formerly Invitae), Labcorp
Classification: Benign for Osteogenesis imperfecta type I. Last evaluated: 2024-12-16. Review status: criteria provided, single submitter. Criteria: Invitae Variant Classification Sherloc (09022015). Collection method: clinical testing. Allele origin: germline.

GeneDx
Classification: Uncertain significance. Last evaluated: 2022-04-19. Review status: criteria provided, single submitter. Criteria: GeneDx Variant Classification Process June 2021. Collection method: clinical testing. Allele origin: germline. Affected: yes.
Comment: Has not been previously reported in association with a COL1A1-related disorder to our knowledge; Not observed at significant frequency in large population cohorts (gnomAD); In silico analysis supports that this missense variant does not alter protein structure/function; Not located in the triple helical region, where the majority of pathogenic missense variants occur (HGMD); This variant is associated with the following publications: (PMID: 32214361)

NM_000088.4(COL1A1):c.529G>A (p.Val177Met)

Gene: COL1A1 (collagen type I alpha 1 chain; minus strand). Cytogenetic location: 17q21.33.
Variant type: single nucleotide variant.
Coding change: c.529G>A on transcript NM_000088.4 (MANE Select); coding-DNA position 529, G replaced by A.
Protein change: p.Val177Met; replaces valine 177 with methionine.
Molecular consequence: missense variant.
Genome position (GRCh38, 1-based): chr17:50,198,447, C>T on the plus strand (G>A on the coding strand, the complement: COL1A1 is on the minus strand). VCF-style: chr17-50198447-C-T. GRCh37 (hg19) VCF-style: chr17-48275808-C-T.
Other names: short protein forms V177M.
Identifiers: ClinVar variation 1711890 (VCV001711890.5), dbSNP rs537060488, ClinGen allele CA8645680.
Genomic context (GRCh38, chr17:50,198,447, plus strand): 5'-ATACCCATTCTCTCTTCTGTCATCCATGCTCCCCCTGCTGGCTCACCATGGGGCCAGGCA[C>T]GGAAATTCCTCCGGTTGATTTCTCATCATAGCCATAAGACAGCTGGGGAGCAAAGTTCTA-3'
Protein context (NP_000079.2, residues 167-187): YDEKSTGGIS[Val177Met]PGPMGPSGPR